The following is an entry in ClinVar:

NM_000371.4(TTR):c.236C>A (p.Thr79Lys)

Gene: TTR (transthyretin; plus strand). Cytogenetic location: 18q12.1.
Variant type: single nucleotide variant.
Coding change: c.236C>A on transcript NM_000371.4 (MANE Select); coding-DNA position 236, C replaced by A.
Protein change: p.Thr79Lys; replaces threonine 79 with lysine.
Molecular consequence: missense variant.
Genome position (GRCh38, 1-based): chr18:31,595,155, C>A. VCF-style: chr18-31595155-C-A. GRCh37 (hg19) VCF-style: chr18-29175118-C-A.
Other names: p.T79K:ACA>AAA; short protein forms T79K.
Identifiers: ClinVar variation 181694 (VCV000181694.7), dbSNP rs730881163, ClinGen allele CA297521.

ClinVar aggregate classification (germline): Pathogenic/Likely pathogenic. Review status: criteria provided, multiple submitters, no conflicts (2 of 4 stars). 3 submissions from 3 submitters: Pathogenic (2); Likely pathogenic (1). Last evaluated 2023-05-06.

Conditions:
Cardiovascular phenotype. Identifiers: MedGen CN230736.
Amyloidosis, hereditary systemic 1 (AMYLD1). Also called: Isolated Cardiac Amyloidosis; Amyloid Cardiomyopathy, Transthyretin-related; AMYLOID CARDIOMYOPATHY; Hereditary Transthyretin Amyloidosis; Transthyretin Amyloidosis; Familial amyloid polyneuropathy. Identifiers: Orphanet 85447, Orphanet 85451, MedGen C2751492, MONDO:0971004, OMIM 105210.

Submissions (3):

Labcorp Genetics (formerly Invitae), Labcorp
Classification: Pathogenic for Amyloidosis, hereditary systemic 1. Last evaluated: 2023-05-06. Review status: criteria provided, single submitter. Criteria: Invitae Variant Classification Sherloc (09022015). Collection method: clinical testing. Allele origin: germline.
Comment: This variant is not present in population databases (gnomAD no frequency). This sequence change replaces threonine, which is neutral and polar, with lysine, which is basic and polar, at codon 79 of the TTR protein (p.Thr79Lys). This missense change has been observed in individual(s) with hereditary transthyretin-mediated amyloidosis (hATTR amyloidosis) (PMID: 7850982, 23713495, 33739616). This variant is also known as p.T59K. ClinVar contains an entry for this variant (Variation ID: 181694). For these reasons, this variant has been classified as Pathogenic. Experimental studies have shown that this missense change affects TTR function (PMID: 17143887). Advanced modeling of protein sequence and biophysical properties (such as structural, functional, and spatial information, amino acid conservation, physicochemical variation, residue mobility, and thermodynamic stability) performed at Invitae indicates that this missense variant is expected to disrupt TTR protein function.

Molecular Diagnostic Laboratory for Inherited Cardiovascular Disease, Montreal Heart Institute
Classification: Pathogenic for Cardiovascular phenotype. Last evaluated: 2023-02-24. Review status: criteria provided, single submitter. Criteria: ACMG Guidelines, 2015. Collection method: clinical testing. Allele origin: germline. Affected: yes.

GeneDx
Classification: Likely pathogenic. Last evaluated: 2020-05-11. Review status: criteria provided, single submitter. Criteria: GeneDx Variant Classification Process June 2021. Collection method: clinical testing. Allele origin: germline. Affected: yes.
Comment: Not observed in large population cohorts (Lek et al., 2016); In silico analysis supports that this missense variant has a deleterious effect on protein structure/function; This variant is associated with the following publications: (PMID: 12440486, 7599630, 23713495, 7850982, 19752327, 22745357, 27859927, 14640041, 16911959, 17143887, 23400849, 23909501, 27364045, 28635949, 26656838)

Literature cited by the submitters: PubMed 7850982 (cited by Labcorp Genetics (formerly Invitae), Labcorp); PubMed 23713495 (cited by Labcorp Genetics (formerly Invitae), Labcorp); PubMed 33739616 (cited by Labcorp Genetics (formerly Invitae), Labcorp); PubMed 17143887 (cited by Labcorp Genetics (formerly Invitae), Labcorp).